The following is an entry in ClinVar:

NM_001164665.2(KIAA1549):c.721G>A (p.Gly241Ser)

Gene: KIAA1549 (KIAA1549; minus strand). Cytogenetic location: 7q34.
Variant type: single nucleotide variant.
Coding change: c.721G>A on transcript NM_001164665.2 (MANE Select); coding-DNA position 721, G replaced by A.
Protein change: p.Gly241Ser; replaces glycine 241 with serine.
Molecular consequence: missense variant.
Genome position (GRCh38, 1-based): chr7:138,918,905, C>T on the plus strand (G>A on the coding strand, the complement: KIAA1549 is on the minus strand). VCF-style: chr7-138918905-C-T. GRCh37 (hg19) VCF-style: chr7-138603651-C-T.
Other names: c.721G>A, p.Gly241Ser (NM_020910.3); short protein forms G241S.
Identifiers: ClinVar variation 1967525 (VCV001967525.5), dbSNP rs1352617123, ClinGen allele CA369402117.
Genomic context (GRCh38, chr7:138,918,905, plus strand): 5'-AATGACTGTAAGCATCAGTAGGATAAAGCACCAAATTCCTGCCAGGAGTTGGAACGATGC[C>T]CTCAGAGGTGCGAAAAGCTGACCGAAAGGTGTGGAAATGACTGGCGGACTCAGCATATGC-3'
Protein context (NP_001158137.1, residues 231-251): TFRSAFRTSE[Gly241Ser]IVPTPGRNLV

ClinVar aggregate classification (germline): Uncertain significance (1 of 4 stars; one submission).

Submission:

Labcorp Genetics (formerly Invitae), Labcorp
Classification: Uncertain significance. Last evaluated: 2022-06-17. Review status: criteria provided, single submitter. Criteria: Invitae Variant Classification Sherloc (09022015). Collection method: clinical testing. Allele origin: germline.
Comment: This variant has not been reported in the literature in individuals affected with KIAA1549-related conditions. This variant is present in population databases (no rsID available, gnomAD 0.002%). This sequence change replaces glycine, which is neutral and non-polar, with serine, which is neutral and polar, at codon 241 of the KIAA1549 protein (p.Gly241Ser). In summary, the available evidence is currently insufficient to determine the role of this variant in disease. Therefore, it has been classified as a Variant of Uncertain Significance. Algorithms developed to predict the effect of missense changes on protein structure and function are either unavailable or do not agree on the potential impact of this missense change (SIFT: "Deleterious"; PolyPhen-2: "Possibly Damaging"; Align-GVGD: "Class C0").